The following is an entry in ClinVar:

NM_007294.4(BRCA1):c.2218G>A (p.Val740Met)

Gene: BRCA1 (BRCA1 DNA repair associated; minus strand). Cytogenetic location: 17q21.31.
Variant type: single nucleotide variant.
Coding change: c.2218G>A on transcript NM_007294.4 (MANE Select); coding-DNA position 2218, G replaced by A.
Protein change: p.Val740Met; replaces valine 740 with methionine.
Molecular consequence: missense variant. On other transcripts: intron variant (137).
Genome position (GRCh38, 1-based): chr17:43,093,313, C>T on the plus strand (G>A on the coding strand, the complement: BRCA1 is on the minus strand). VCF-style: chr17-43093313-C-T. GRCh37 (hg19) VCF-style: chr17-41245330-C-T.
Other names: c.404-2281G>A (NM_001408511.1); c.646+1431G>A (NM_001408457.1, NM_001408460.1, NM_001408454.1 and 11 more transcripts); c.520+1431G>A (NM_001408505.1, NM_001408503.1, NM_001408504.1); c.461-2281G>A (NM_001408507.1, NM_001408506.1); c.545-2281G>A (NM_001408495.1); c.2005G>A, p.Val669Met (NM_001407571.1, NM_001407915.1, NM_001407916.1 and 9 more transcripts); c.2218G>A, p.Val740Met (NM_001407581.1, NM_001407582.1, NM_001407583.1 and 30 more transcripts); c.661+1431G>A (NM_001408448.1, NM_001408446.1, NM_001408435.1 and 6 more transcripts); and 41 more; short protein forms V693M, V740M, V444M, V572M, V612M, V670M, V692M, V699M.
Identifiers: ClinVar variation 820887 (VCV000820887.10), dbSNP rs80357415, ClinGen allele CA10597562.

ClinVar aggregate classification (germline): Conflicting classifications of pathogenicity. Review status: criteria provided, conflicting classifications (1 of 4 stars). 4 submissions from 4 submitters: Uncertain significance (3); Likely benign (1). Last evaluated 2025-08-24.

Conditions:
Hereditary cancer-predisposing syndrome. Also called: Neoplastic Syndromes, Hereditary; Tumor predisposition; Hereditary Cancer Syndrome; Hereditary neoplastic syndrome. Identifiers: Orphanet 140162, MedGen C0027672, MeSH D009386, MONDO:0015356.
Hereditary breast ovarian cancer syndrome. Also called: Hereditary breast and/or ovarian cancer syndrome; BRCA1- and BRCA2-Associated Hereditary Breast and Ovarian Cancer; Hereditary breast and ovarian cancer syndrome; Hereditary breast and ovarian cancer; Hereditary breast and ovarian cancer syndrome (HBOC); Breast and ovarian cancer. Identifiers: Orphanet 145, MedGen C0677776, MeSH D061325, MONDO:0003582. Disease mechanism: loss of function.

Submissions (4):

Labcorp Genetics (formerly Invitae), Labcorp
Classification: Uncertain significance for Hereditary breast ovarian cancer syndrome. Last evaluated: 2025-08-24. Review status: criteria provided, single submitter. Criteria: Invitae Variant Classification Sherloc (09022015). Collection method: clinical testing. Allele origin: germline.
Comment: This sequence change replaces valine, which is neutral and non-polar, with methionine, which is neutral and non-polar, at codon 740 of the BRCA1 protein (p.Val740Met). This variant is not present in population databases (gnomAD no frequency). This variant has not been reported in the literature in individuals affected with BRCA1-related conditions. ClinVar contains an entry for this variant (Variation ID: 820887). Invitae Evidence Modeling of protein sequence and biophysical properties (such as structural, functional, and spatial information, amino acid conservation, physicochemical variation, residue mobility, and thermodynamic stability) indicates that this missense variant is not expected to disrupt BRCA1 protein function with a negative predictive value of 80%. In summary, the available evidence is currently insufficient to determine the role of this variant in disease. Therefore, it has been classified as a Variant of Uncertain Significance.

GeneDx
Classification: Uncertain significance. Last evaluated: 2025-06-18. Review status: criteria provided, single submitter. Criteria: GeneDx Variant Classification Process June 2021. Collection method: clinical testing. Allele origin: germline. Affected: yes.
Comment: Not observed at significant frequency in large population cohorts (gnomAD); In silico analysis suggests that this missense variant does not alter protein structure/function; Has not been previously published as pathogenic or benign to our knowledge; Also known as 2337G>A; This variant is associated with the following publications: (PMID: 10426999, 10792030, 15343273)

Ambry Genetics
Classification: Uncertain significance for Hereditary cancer-predisposing syndrome. Last evaluated: 2025-03-30. Review status: criteria provided, single submitter. Criteria: Ambry Variant Classification Scheme 2023. Collection method: clinical testing. Allele origin: germline.
Comment: The p.V740M variant (also known as c.2218G>A), located in coding exon 9 of the BRCA1 gene, results from a G to A substitution at nucleotide position 2218. The valine at codon 740 is replaced by methionine, an amino acid with highly similar properties. This amino acid position is not well conserved in available vertebrate species. In addition, this alteration is predicted to be tolerated by in silico analysis. Since supporting evidence is limited at this time, the clinical significance of this alteration remains unclear.

University of Washington Department of Laboratory Medicine, University of Washington
Classification: Likely benign for Hereditary cancer-predisposing syndrome. Last evaluated: 2023-03-23. Review status: criteria provided, single submitter. Criteria: Dines et al. (Genet Med. 2020). Collection method: curation. Allele origin: germline.
Comment: Missense variant in a coldspot region where missense variants are very unlikely to be pathogenic (PMID:31911673).

BRCA1 coldspot (exon 11 using historical exon numbering). Reclassification based on statistical prior probability